The following is an entry in ClinVar:

ClinVar aggregate classification (germline): Uncertain significance (1 of 4 stars; one submission).

Conditions:
Hereditary cancer-predisposing syndrome. Also called: Neoplastic Syndromes, Hereditary; Tumor predisposition; Hereditary Cancer Syndrome; Hereditary neoplastic syndrome. Identifiers: Orphanet 140162, MedGen C0027672, MeSH D009386, MONDO:0015356.

Submission:

Ambry Genetics
Classification: Uncertain significance for Hereditary cancer-predisposing syndrome. Last evaluated: 2024-07-05. Review status: criteria provided, single submitter. Criteria: Ambry Variant Classification Scheme 2023. Collection method: clinical testing. Allele origin: germline.
Comment: The p.D2306N variant (also known as c.6916G>A), located in coding exon 15 of the APC gene, results from a G to A substitution at nucleotide position 6916. The aspartic acid at codon 2306 is replaced by asparagine, an amino acid with highly similar properties. This amino acid position is conserved. In addition, in silico predictors for this gene do not accurately predict pathogenicity. Based on the available evidence, the clinical significance of this variant remains unclear.

NM_000038.6(APC):c.6916G>A (p.Asp2306Asn)

Gene: APC (APC regulator of Wnt signaling pathway; plus strand). Cytogenetic location: 5q22.2.
Variant type: single nucleotide variant.
Coding change: c.6916G>A on transcript NM_000038.6 (MANE Select); coding-DNA position 6916, G replaced by A.
Protein change: p.Asp2306Asn; replaces aspartic acid 2306 with asparagine.
Molecular consequence: missense variant. On other transcripts: non-coding transcript variant (2).
Genome position (GRCh38, 1-based): chr5:112,842,510, G>A. VCF-style: chr5-112842510-G-A. GRCh37 (hg19) VCF-style: chr5-112178207-G-A.
Other names: c.6916G>A, p.Asp2306Asn (NM_001127510.3, NM_001354895.2, NM_001407450.1); c.6862G>A, p.Asp2288Asn (NM_001127511.3); c.6970G>A, p.Asp2324Asn (NM_001354896.2, NM_001407447.1, NM_001407448.1 and 1 more transcripts); c.6946G>A, p.Asp2316Asn (NM_001354897.2); c.6841G>A, p.Asp2281Asn (NM_001354898.2); c.6832G>A, p.Asp2278Asn (NM_001354899.2); c.6793G>A, p.Asp2265Asn (NM_001354900.2); c.6739G>A, p.Asp2247Asn (NM_001354901.2, NM_001407453.1); and 11 more; short protein forms D2023N, D2177N, D2180N, D2223N, D2278N, D2281N, D2316N, D2215N.
Identifiers: ClinVar variation 3409521 (VCV003409521.1).